The following is an entry in ClinVar:

NM_000016.6(ACADM):c.556_557del (p.Asn186fs)

Gene: ACADM (acyl-CoA dehydrogenase medium chain; plus strand). Cytogenetic location: 1p31.1.
Variant type: Deletion.
Coding change: c.556_557del on transcript NM_000016.6 (MANE Select); coding-DNA positions 556 to 557, 2 bases deleted (AA; older notation c.556_557delAA).
Protein change: p.Asn186fs; shifts the reading frame from asparagine 186.
Molecular consequence: frameshift variant. On other transcripts: 5 prime UTR variant (1).
Genome position (GRCh38, 1-based): chr1:75,740,067-75,740,068, AA deleted. VCF-style (leftmost placement, unchanged base first): chr1-75740066-TAA-T. GRCh37 (hg19) VCF-style: chr1-76205751-TAA-T.
Other names: c.568_569del, p.Asn190fs (NM_001127328.3); c.448_449del, p.Asn150fs (NM_001286042.2); c.655_656del, p.Asn219fs (NM_001286043.2); c.-12_-11del (NM_001286044.2); short protein forms N150fs, N186fs, N190fs, N219fs.
Identifiers: ClinVar variation 1724722 (VCV001724722.2), dbSNP rs2525609231, ClinGen allele CA2580063235.

ClinVar aggregate classification (germline): Likely pathogenic (1 of 4 stars; one submission).

Conditions:
Medium-chain acyl-coenzyme A dehydrogenase deficiency (ACADMD). Also called: ACADM DEFICIENCY; MCADH DEFICIENCY; MCAD Deficiency; MCADD; CARNITINE DEFICIENCY SECONDARY TO MEDIUM-CHAIN ACYL-CoA DEHYDROGENASE DEFICIENCY; Medium chain acyl-CoA dehydrogenase deficiency. Identifiers: Orphanet 42, MedGen C0220710, MONDO:0008721, OMIM 201450.

Submission:

Myriad Genetics, Inc.
Classification: Likely pathogenic for Medium-chain acyl-coenzyme A dehydrogenase deficiency. Last evaluated: 2022-02-25. Review status: criteria provided, single submitter. Criteria: Myriad Women's Health Autosomal Recessive and X-Linked Classification Criteria (2021). Collection method: clinical testing. Allele origin: unknown.
Comment: NM_000016.4(ACADM):c.556_557delAA(N186Wfs*13) is expected to be pathogenic in the context of medium chain acyl-CoA dehydrogenase deficiency. This variant is predicted to lead to an abnormal or absent protein product due to the creation of a premature termination codon in ACADM, a gene where loss-of-function variants are known to be pathogenic. Please note: this variant was assessed in the context of healthy population screening.